The following is an entry in ClinVar:

NM_024589.3(ROGDI):c.645+2T>A

Gene: ROGDI (rogdi atypical leucine zipper; minus strand). Cytogenetic location: 16p13.3.
Variant type: single nucleotide variant.
Coding change: c.645+2T>A on transcript NM_024589.3 (MANE Select); the canonical splice donor site of the intron after coding-DNA position 645, T replaced by A.
Molecular consequence: splice donor variant.
Genome position (GRCh38, 1-based): chr16:4,798,069, A>T on the plus strand (T>A on the coding strand, the complement: ROGDI is on the minus strand). VCF-style: chr16-4798069-A-T. GRCh37 (hg19) VCF-style: chr16-4848070-A-T.
Identifiers: ClinVar variation 654474 (VCV000654474.9), dbSNP rs754417953, ClinGen allele CA7882604.
Genomic context (GRCh38, chr16:4,798,069, plus strand): 5'-CCGTCAGGCCTTGCAGGGCGTGTGCATGGCGGGCAGTGGGCCGGGCAGGGGTCCCTCCTC[A>T]CCTTGGTGGAGTTGGGCTGCAGGGCATGCAGCTGGTACACCGTGAGGCAGAGCTTGTTGA-3'

ClinVar aggregate classification (germline): Likely pathogenic. Review status: criteria provided, multiple submitters, no conflicts (2 of 4 stars). 2 submissions from 2 submitters: Likely pathogenic (2). Last evaluated 2025-09-08.

Conditions:
Amelocerebrohypohidrotic syndrome (KTZS). Also called: EPILEPSY AND YELLOW TEETH; EPILEPSY, DEMENTIA, AND AMELOGENESIS IMPERFECTA; KOHLSCHUTTER SYNDROME; Kohlschutter's syndrome. Identifiers: Orphanet 1946, MedGen C0406740, MONDO:0009185, OMIM 226750.

Allele frequency attached by ClinVar (database versions not stated): gnomAD 0.00001; gnomAD exomes 0.00001 and 0.00002; TOPMed 0.00002; ExAC 0.00003.
gnomAD v4.1: 12 of 1,613,584 alleles (0.00074%); highest among the groups gnomAD compares: African/African-American, 0.0013%; no homozygotes.

Submissions (2):

GeneDx
Classification: Likely pathogenic. Last evaluated: 2025-09-08. Review status: criteria provided, single submitter. Criteria: GeneDx Variant Classification Process June 2021. Collection method: clinical testing. Allele origin: germline. Affected: yes.
Comment: Canonical splice site variant expected to result in aberrant splicing, although in the absence of functional evidence the actual effect of this sequence change is unknown.; Not observed at significant frequency in large population cohorts (gnomAD); Reported in a cohort of patients with childhood onset epilepsy; detailed clinical information and segregation was not provided (PMID: 31440721); This variant is associated with the following publications: (PMID: 31440721)

Labcorp Genetics (formerly Invitae), Labcorp
Classification: Likely pathogenic for Amelocerebrohypohidrotic syndrome. Last evaluated: 2018-09-10. Review status: criteria provided, single submitter. Criteria: Invitae Variant Classification Sherloc (09022015). Collection method: clinical testing. Allele origin: germline.
Comment: In summary, the currently available evidence indicates that the variant is pathogenic, but additional data are needed to prove that conclusively. Therefore, this variant has been classified as Likely Pathogenic. Donor and acceptor splice site variants typically lead to a loss of protein function (PMID: 16199547), and loss-of-function variants in ROGDI are known to be pathogenic (PMID: 22424600, 23086778). Algorithms developed to predict the effect of sequence changes on RNA splicing suggest that this variant may disrupt the consensus splice site, but this prediction has not been confirmed by published transcriptional studies. This variant has not been reported in the literature in individuals with ROGDI-related disease. This variant is present in population databases (rs754417953, ExAC 0.01%). This sequence change affects a donor splice site in intron 8 of the ROGDI gene. It is expected to disrupt RNA splicing and likely results in an absent or disrupted protein product.

Literature cited by the submitters: PubMed 16199547 (cited by Labcorp Genetics (formerly Invitae), Labcorp); PubMed 22424600 (cited by Labcorp Genetics (formerly Invitae), Labcorp); PubMed 23086778 (cited by Labcorp Genetics (formerly Invitae), Labcorp).